The following is an entry in ClinVar:

ClinVar aggregate classification (germline): Uncertain significance (1 of 4 stars; one submission).

Conditions:
Alpha thalassemia-X-linked intellectual disability syndrome (ATRX). Also called: ALPHA-THALASSEMIA/MENTAL RETARDATION SYNDROME, X-LINKED; ATR, NONDELETION TYPE; ATR-X syndrome; Alpha thalassemia mental retardation syndrome, nondeletion type, X-linked; XLMR hypotonic face syndrome; X-linked alpha-thalassemia-mental retardation syndrome. Identifiers: Orphanet 847, MedGen C1845055, MONDO:0010519, OMIM 301040.

Submission:

Labcorp Genetics (formerly Invitae), Labcorp
Classification: Uncertain significance for Alpha thalassemia-X-linked intellectual disability syndrome. Last evaluated: 2023-03-08. Review status: criteria provided, single submitter. Criteria: Invitae Variant Classification Sherloc (09022015). Collection method: clinical testing. Allele origin: germline.
Comment: In summary, the available evidence is currently insufficient to determine the role of this variant in disease. Therefore, it has been classified as a Variant of Uncertain Significance. Advanced modeling of protein sequence and biophysical properties (such as structural, functional, and spatial information, amino acid conservation, physicochemical variation, residue mobility, and thermodynamic stability) performed at Invitae indicates that this missense variant is not expected to disrupt ATRX protein function. This variant has not been reported in the literature in individuals affected with ATRX-related conditions. This variant is not present in population databases (gnomAD no frequency). This sequence change replaces threonine, which is neutral and polar, with proline, which is neutral and non-polar, at codon 668 of the ATRX protein (p.Thr668Pro).

NM_000489.6(ATRX):c.2002A>C (p.Thr668Pro)

Gene: ATRX (ATRX chromatin remodeler; minus strand). Cytogenetic location: Xq21.1.
Variant type: single nucleotide variant.
Coding change: c.2002A>C on transcript NM_000489.6 (MANE Select); coding-DNA position 2002, A replaced by C.
Protein change: p.Thr668Pro; replaces threonine 668 with proline.
Molecular consequence: missense variant.
Genome position (GRCh38, 1-based): chrX:77,683,254, T>G on the plus strand (A>C on the coding strand, the complement: ATRX is on the minus strand). VCF-style: chrX-77683254-T-G. GRCh37 (hg19) VCF-style: chrX-76938746-T-G.
Other names: c.1888A>C, p.Thr630Pro (NM_138270.5); short protein forms T668P, T630P.
Identifiers: ClinVar variation 2844225 (VCV002844225.3), dbSNP rs2148609444, ClinGen allele CA413715000.
Genomic context (GRCh38, chrX:77,683,254, plus strand): 5'-TCTCCTTAACTGTTTCATTACATTCTTCATCTGAATTAGATGTTACAGGGTTAGTTTCTG[T>G]CGGTCGCCTCAAGGGTGTAGTCTTTACACGTGGGGATCTTCGAAGATCAGATTCCTCTAA-3'
Protein context (NP_000480.3, residues 658-678): RVKTTPLRRP[Thr668Pro]ETNPVTSNSD